The following is an entry in ClinVar:

ClinVar aggregate classification (germline): Uncertain significance (1 of 4 stars; one submission).

Submission:

GeneDx
Classification: Uncertain significance. Last evaluated: 2025-08-01. Review status: criteria provided, single submitter. Criteria: GeneDx Variant Classification Process June 2021. Collection method: clinical testing. Allele origin: germline. Affected: yes.
Comment: Not observed at significant frequency in large population cohorts (gnomAD); In silico analysis supports that this missense variant has a deleterious effect on protein structure/function; Has not been previously published as pathogenic or benign to our knowledge

NM_000384.3(APOB):c.7685C>T (p.Thr2562Ile)

Gene: APOB (apolipoprotein B; minus strand). Cytogenetic location: 2p24.1.
Variant type: single nucleotide variant.
Coding change: c.7685C>T on transcript NM_000384.3 (MANE Select); coding-DNA position 7685, C replaced by T.
Protein change: p.Thr2562Ile; replaces threonine 2562 with isoleucine.
Molecular consequence: missense variant.
Genome position (GRCh38, 1-based): chr2:21,009,183, G>A on the plus strand (C>T on the coding strand, the complement: APOB is on the minus strand). VCF-style: chr2-21009183-G-A. GRCh37 (hg19) VCF-style: chr2-21232055-G-A.
Other names: short protein forms T2562I.
Identifiers: ClinVar variation 4690181 (VCV004690181.1).